The following is an entry in ClinVar:

NM_004618.5(TOP3A):c.1973G>A (p.Cys658Tyr)

Gene: TOP3A (DNA topoisomerase III alpha; minus strand). Cytogenetic location: 17p11.2.
Variant type: single nucleotide variant.
Coding change: c.1973G>A on transcript NM_004618.5 (MANE Select); coding-DNA position 1973, G replaced by A.
Protein change: p.Cys658Tyr; replaces cysteine 658 with tyrosine.
Molecular consequence: missense variant.
Genome position (GRCh38, 1-based): chr17:18,282,746, C>T on the plus strand (G>A on the coding strand, the complement: TOP3A is on the minus strand). VCF-style: chr17-18282746-C-T. GRCh37 (hg19) VCF-style: chr17-18186060-C-T.
Other names: c.1688G>A, p.Cys563Tyr (NM_001320759.2); short protein forms C563Y, C658Y.
Identifiers: ClinVar variation 1922226 (VCV001922226.5), dbSNP rs1179727459, ClinGen allele CA398627918.

ClinVar aggregate classification (germline): Uncertain significance (1 of 4 stars; one submission).

Allele frequency attached by ClinVar (database versions not stated): gnomAD 0.00001; gnomAD exomes 0.00001.
gnomAD v4.1: 5 of 1,614,006 alleles (0.00031%); highest among the groups gnomAD compares: Non-Finnish European, 0.00042%; no homozygotes.

Submission:

Labcorp Genetics (formerly Invitae), Labcorp
Classification: Uncertain significance. Last evaluated: 2022-09-01. Review status: criteria provided, single submitter. Criteria: Invitae Variant Classification Sherloc (09022015). Collection method: clinical testing. Allele origin: germline.
Comment: Algorithms developed to predict the effect of missense changes on protein structure and function are either unavailable or do not agree on the potential impact of this missense change (SIFT: "Not Available"; PolyPhen-2: "Probably Damaging"; Align-GVGD: "Not Available"). In summary, the available evidence is currently insufficient to determine the role of this variant in disease. Therefore, it has been classified as a Variant of Uncertain Significance. This variant has not been reported in the literature in individuals affected with TOP3A-related conditions. This variant is present in population databases (no rsID available, gnomAD 0.007%). This sequence change replaces cysteine, which is neutral and slightly polar, with tyrosine, which is neutral and polar, at codon 658 of the TOP3A protein (p.Cys658Tyr).